The following is an entry in ClinVar:

ClinVar aggregate classification (germline): Benign/Likely benign. Review status: criteria provided, multiple submitters, no conflicts (2 of 4 stars). 6 submissions from 6 submitters: Benign (4); Likely benign (2). Last evaluated 2025-10-23.

Allele frequency attached by ClinVar (database versions not stated): 1000 Genomes Project 0.00300; 1000 Genomes Project 30x 0.00312; gnomAD 0.00329 and 0.00356; TOPMed 0.00357; gnomAD exomes 0.00428; ESP Exome Variant Server 0.00438; ExAC 0.00606.

Submissions (6):

Mayo Clinic Laboratories, Mayo Clinic
Classification: Benign. Last evaluated: 2025-10-23. Review status: criteria provided, single submitter. Criteria: ACMG Guidelines, 2015. Collection method: clinical testing. Allele origin: germline. Observed: 7 variant alleles.
Comment: BS1, BP4_strong

CeGaT Center for Human Genetics Tuebingen
Classification: Likely benign. Last evaluated: 2025-06-01. Review status: criteria provided, single submitter. Criteria: CeGaT Center For Human Genetics Tuebingen Variant Classification Criteria Version 2. Collection method: clinical testing. Allele origin: germline. Affected: yes. Observed: 2 variant alleles.
Comment: SLFN14: BP4, BS2

Blueprint Genetics
Classification: Likely benign. Last evaluated: 2024-11-08. Review status: criteria provided, single submitter. Criteria: ACMG Guidelines, 2015. Collection method: clinical testing. Allele origin: germline.

Genetic Services Laboratory, University of Chicago
Classification: Benign. Last evaluated: 2020-02-04. Review status: criteria provided, single submitter. Criteria: ACMG Guidelines, 2015. Collection method: clinical testing. Allele origin: germline. Affected: no.

Labcorp Genetics (formerly Invitae), Labcorp
Classification: Benign. Last evaluated: 2018-10-16. Review status: criteria provided, single submitter. Criteria: Invitae Variant Classification Sherloc (09022015). Collection method: clinical testing. Allele origin: germline.

Breakthrough Genomics
Classification: Benign. Review status: criteria provided, single submitter. Criteria: ACMG Guidelines, 2015. Collection method: not provided. Allele origin: germline. Inheritance: Autosomal dominant inheritance. Affected: yes.

NM_001129820.2(SLFN14):c.515T>C (p.Val172Ala)

Gene: SLFN14 (schlafen family member 14; minus strand). Cytogenetic location: 17q12.
Variant type: single nucleotide variant.
Coding change: c.515T>C on transcript NM_001129820.2 (MANE Select); coding-DNA position 515, T replaced by C.
Protein change: p.Val172Ala; replaces valine 172 with alanine.
Molecular consequence: missense variant.
Genome position (GRCh38, 1-based): chr17:35,557,548, A>G on the plus strand (T>C on the coding strand, the complement: SLFN14 is on the minus strand). VCF-style: chr17-35557548-A-G. GRCh37 (hg19) VCF-style: chr17-33884567-A-G.
Other names: p.Val172Ala; short protein forms V172A.
Identifiers: ClinVar variation 774231 (VCV000774231.34), dbSNP rs139678049, ClinGen allele CA8504693.